The following is an entry in ClinVar:

ClinVar aggregate classification (germline): Uncertain significance (1 of 4 stars; one submission).

Allele frequency attached by ClinVar (database versions not stated): ExAC 0.00009.
gnomAD v4.1: 89 of 1,614,058 alleles (0.0055%); highest among the groups gnomAD compares: South Asian, 0.049%; no homozygotes.

Submission:

Labcorp Genetics (formerly Invitae), Labcorp
Classification: Uncertain significance. Last evaluated: 2023-12-22. Review status: criteria provided, single submitter. Criteria: Invitae Variant Classification Sherloc (09022015). Collection method: clinical testing. Allele origin: germline.
Comment: This sequence change replaces valine, which is neutral and non-polar, with glutamic acid, which is acidic and polar, at codon 99 of the DNAJB13 protein (p.Val99Glu). This variant is present in population databases (rs756043336, gnomAD 0.05%). This variant has not been reported in the literature in individuals affected with DNAJB13-related conditions. Advanced modeling of protein sequence and biophysical properties (such as structural, functional, and spatial information, amino acid conservation, physicochemical variation, residue mobility, and thermodynamic stability) performed at Invitae indicates that this missense variant is not expected to disrupt DNAJB13 protein function with a negative predictive value of 80%. In summary, the available evidence is currently insufficient to determine the role of this variant in disease. Therefore, it has been classified as a Variant of Uncertain Significance.

NM_153614.4(DNAJB13):c.296T>A (p.Val99Glu)

Gene: DNAJB13 (DnaJ heat shock protein family (Hsp40) member B13; plus strand). Cytogenetic location: 11q13.4.
Variant type: single nucleotide variant.
Coding change: c.296T>A on transcript NM_153614.4 (MANE Select); coding-DNA position 296, T replaced by A.
Protein change: p.Val99Glu; replaces valine 99 with glutamic acid.
Molecular consequence: missense variant.
Genome position (GRCh38, 1-based): chr11:73,959,617, T>A. VCF-style: chr11-73959617-T-A. GRCh37 (hg19) VCF-style: chr11-73670662-T-A.
Other names: c.122T>A, p.Val41Glu (NM_001377263.1); short protein forms V41E, V99E.
Identifiers: ClinVar variation 2904051 (VCV002904051.1), dbSNP rs756043336, ClinGen allele CA6180645.